The following is an entry in ClinVar:

ClinVar aggregate classification (germline): Uncertain significance (1 of 4 stars; one submission).

Allele frequency attached by ClinVar (database versions not stated): TOPMed below 0.00001.
gnomAD v4.1: 1 of 1,613,986 alleles (0.000062%); highest among the groups gnomAD compares: Non-Finnish European, 0.000085%; no homozygotes.

Submission:

GeneDx
Classification: Uncertain significance. Last evaluated: 2020-01-16. Review status: criteria provided, single submitter. Criteria: GeneDx Variant Classification Process June 2021. Collection method: clinical testing. Allele origin: germline. Affected: yes.
Comment: Not observed in large population cohorts (Lek et al., 2016); In silico analysis, which includes protein predictors and evolutionary conservation, supports a deleterious effect; Although located in a calcium-binding EGF-like domain of the FBN2 gene, it does not affect a cysteine residue within this domain; cysteine substitutions in the calcium-binding EGF-like domains represent the majority of pathogenic missense changes associated with FBN2-related disorders (Frederic et al., 2009); Has not been previously published as pathogenic or benign to our knowledge

NM_001999.4(FBN2):c.2516C>T (p.Pro839Leu)

Gene: FBN2 (fibrillin 2; minus strand). Cytogenetic location: 5q23.3.
Variant type: single nucleotide variant.
Coding change: c.2516C>T on transcript NM_001999.4 (MANE Select); coding-DNA position 2516, C replaced by T.
Protein change: p.Pro839Leu; replaces proline 839 with leucine.
Molecular consequence: missense variant.
Genome position (GRCh38, 1-based): chr5:128,361,761, G>A on the plus strand (C>T on the coding strand, the complement: FBN2 is on the minus strand). VCF-style: chr5-128361761-G-A. GRCh37 (hg19) VCF-style: chr5-127697454-G-A.
Other names: short protein forms P839L.
Identifiers: ClinVar variation 1311135 (VCV001311135.2), dbSNP rs1283323687, ClinGen allele CA360767985.